The following is an entry in ClinVar:

ClinVar aggregate classification (germline): Uncertain significance. Review status: criteria provided, multiple submitters, no conflicts (2 of 4 stars). 3 submissions from 3 submitters: Uncertain significance (3). Last evaluated 2025-09-08.

Conditions:
Cardiomyopathy (CMYO). Also called: Cardiomyopathies. Identifiers: Orphanet 167848, MedGen C0878544, MONDO:0004994, HP:0001638. Inheritance: Various modes of inheritance.
Cardiovascular phenotype. Identifiers: MedGen CN230736.
Arrhythmogenic cardiomyopathy with wooly hair and keratoderma. Also called: Dilated cardiomyopathy with woolly hair and keratoderma; Arrhythmogenic cardiomyopathy with woolly hair and keratoderma; PALMOPLANTAR KERATODERMA WITH LEFT VENTRICULAR CARDIOMYOPATHY AND WOOLLY HAIR; Carvajal syndrome. Identifiers: Orphanet 65282, MedGen C1854063, MONDO:0011581, OMIM 605676.
Arrhythmogenic right ventricular dysplasia 8 (ARVD8). Also called: Arrhythmogenic Right Ventricular Dysplasia/Cardiomyopathy 8; ARRHYTHMOGENIC RIGHT VENTRICULAR DYSPLASIA, FAMILIAL, 8; ARRHYTHMOGENIC RIGHT VENTRICULAR CARDIOMYOPATHY 8. Identifiers: MedGen C1843896, MONDO:0011831, OMIM 607450.

Submissions (3):

Labcorp Genetics (formerly Invitae), Labcorp
Classification: Uncertain significance for Arrhythmogenic cardiomyopathy with wooly hair and keratoderma; Arrhythmogenic right ventricular dysplasia 8. Last evaluated: 2025-09-08. Review status: criteria provided, single submitter. Criteria: Invitae Variant Classification Sherloc (09022015). Collection method: clinical testing. Allele origin: germline.
Comment: This sequence change replaces alanine, which is neutral and non-polar, with proline, which is neutral and non-polar, at codon 2822 of the DSP protein (p.Ala2822Pro). This variant is not present in population databases (gnomAD no frequency). This variant has not been reported in the literature in individuals affected with DSP-related conditions. ClinVar contains an entry for this variant (Variation ID: 1763475). An algorithm developed to predict the effect of missense changes on protein structure and function (PolyPhen-2) suggests that this variant is likely to be disruptive. In summary, the available evidence is currently insufficient to determine the role of this variant in disease. Therefore, it has been classified as a Variant of Uncertain Significance.

Color Diagnostics, LLC DBA Color Health
Classification: Uncertain significance for Cardiomyopathy. Last evaluated: 2022-11-06. Review status: criteria provided, single submitter. Criteria: ACMG Guidelines, 2015. Collection method: clinical testing. Allele origin: germline.
Comment: This missense variant replaces alanine with proline at codon 2822 of the DSP protein. Computational prediction suggests that this variant may not impact protein structure and function (internally defined REVEL score threshold <= 0.5, PMID: 27666373). To our knowledge, functional studies have not been reported for this variant. This variant has not been reported in individuals affected with DSP-related disorders in the literature. This variant has not been identified in the general population by the Genome Aggregation Database (gnomAD). The available evidence is insufficient to determine the role of this variant in disease conclusively. Therefore, this variant is classified as a Variant of Uncertain Significance.

Ambry Genetics
Classification: Uncertain significance for Cardiovascular phenotype. Last evaluated: 2021-11-02. Review status: criteria provided, single submitter. Criteria: Ambry Variant Classification Scheme 2023. Collection method: clinical testing. Allele origin: germline.
Comment: The p.A2822P variant (also known as c.8464G>C), located in coding exon 24 of the DSP gene, results from a G to C substitution at nucleotide position 8464. The alanine at codon 2822 is replaced by proline, an amino acid with highly similar properties. This amino acid position is conserved. In addition, the in silico prediction for this alteration is inconclusive. Since supporting evidence is limited at this time, the clinical significance of this alteration remains unclear.

NM_004415.4(DSP):c.8464G>C (p.Ala2822Pro)

Gene: DSP (desmoplakin; plus strand). Cytogenetic location: 6p24.3.
Variant type: single nucleotide variant.
Coding change: c.8464G>C on transcript NM_004415.4 (MANE Select); coding-DNA position 8464, G replaced by C.
Protein change: p.Ala2822Pro; replaces alanine 2822 with proline.
Molecular consequence: missense variant.
Genome position (GRCh38, 1-based): chr6:7,585,726, G>C. VCF-style: chr6-7585726-G-C. GRCh37 (hg19) VCF-style: chr6-7585959-G-C.
Other names: c.6667G>C, p.Ala2223Pro (NM_001008844.3); c.7135G>C, p.Ala2379Pro (NM_001319034.2); short protein forms A2223P, A2379P, A2822P.
Identifiers: ClinVar variation 1763475 (VCV001763475.5), dbSNP rs1361652898, ClinGen allele CA362695204.